The following is an entry in ClinVar:

NM_017514.5(PLXNA3):c.391C>T (p.Leu131=)

Gene: PLXNA3 (plexin A3; plus strand). Cytogenetic location: Xq28.
Variant type: single nucleotide variant.
Coding change: c.391C>T on transcript NM_017514.5 (MANE Select); coding-DNA position 391, C replaced by T.
Protein change: p.Leu131=; no amino-acid change (leucine 131 retained).
Molecular consequence: synonymous variant.
Genome position (GRCh38, 1-based): chrX:154,460,574, C>T. VCF-style: chrX-154460574-C-T. GRCh37 (hg19) VCF-style: chrX-153688914-C-T.
Identifiers: ClinVar variation 3056075 (VCV003056075.2), dbSNP rs149100691, ClinGen allele CA10563676.

ClinVar aggregate classification (germline): Likely benign (0 of 4 stars; one submission).

Conditions:
PLXNA3-related disorder. Also called: PLXNA3-related condition.

Allele frequency attached by ClinVar (database versions not stated): ExAC 0.00006; gnomAD 0.00007; ESP Exome Variant Server 0.00019; 1000 Genomes Project 30x 0.00042; 1000 Genomes Project 0.00053.
gnomAD v4.1: 22 of 1,205,214 alleles (0.0018%); highest among the groups gnomAD compares: African/African-American, 0.031%; no homozygotes.

Submission:

PreventionGenetics, part of Exact Sciences
Classification: Likely benign for PLXNA3-related condition. Last evaluated: 2022-11-23. Review status: no assertion criteria provided. Collection method: clinical testing. Allele origin: germline.
Comment: This variant is classified as likely benign based on ACMG/AMP sequence variant interpretation guidelines (Richards et al. 2015 PMID: 25741868, with internal and published modifications).